The following is an entry in ClinVar:

ClinVar aggregate classification (germline): Uncertain significance (1 of 4 stars; one submission).

Conditions:
Supravalvar aortic stenosis (SVAS). Also called: Supravalvar aortic stenosis, Eisenberg type. Identifiers: Orphanet 3193, MedGen C0003499, MONDO:0008504, OMIM 185500, HP:0004381.

gnomAD v4.1: 19 of 1,613,918 alleles (0.0012%); highest among the groups gnomAD compares: Admixed American, 0.0033%; no homozygotes.

Submission:

Labcorp Genetics (formerly Invitae), Labcorp
Classification: Uncertain significance for Supravalvar aortic stenosis. Last evaluated: 2025-12-11. Review status: criteria provided, single submitter. Criteria: Invitae Variant Classification Sherloc (09022015). Collection method: clinical testing. Allele origin: germline.
Comment: This sequence change replaces glycine, which is neutral and non-polar, with serine, which is neutral and polar, at codon 547 of the ELN protein (p.Gly547Ser). This variant is present in population databases (rs370631671, gnomAD 0.01%). This variant has not been reported in the literature in individuals affected with ELN-related conditions. ClinVar contains an entry for this variant (Variation ID: 3630847). Invitae Evidence Modeling of protein sequence and biophysical properties (such as structural, functional, and spatial information, amino acid conservation, physicochemical variation, residue mobility, and thermodynamic stability) indicates that this missense variant is not expected to disrupt ELN protein function with a negative predictive value of 80%. In summary, the available evidence is currently insufficient to determine the role of this variant in disease. Therefore, it has been classified as a Variant of Uncertain Significance.

NM_000501.4(ELN):c.1552G>A (p.Gly518Ser)

Genes: ELN-AS1 (ELN antisense RNA 1; minus strand), ELN (elastin; plus strand). Cytogenetic location: 7q11.23.
Variant type: single nucleotide variant.
Coding change: c.1552G>A on transcript NM_000501.4 (MANE Select); coding-DNA position 1552, G replaced by A.
Protein change: p.Gly518Ser; replaces glycine 518 with serine.
Molecular consequence: missense variant. On other transcripts: non-coding transcript variant (1).
Genome position (GRCh38, 1-based): chr7:74,060,023, G>A. VCF-style: chr7-74060023-G-A. GRCh37 (hg19) VCF-style: chr7-73474353-G-A.
Other names: c.1465G>A, p.Gly489Ser (NM_001081752.3); c.1510G>A, p.Gly504Ser (NM_001081753.3); c.1567G>A, p.Gly523Ser (NM_001081754.3); c.1495G>A, p.Gly499Ser (NM_001081755.3); c.1552G>A, p.Gly518Ser (NM_001278912.2); c.1309G>A, p.Gly437Ser (NM_001278913.2); c.1480G>A, p.Gly494Ser (NM_001278914.2); c.1570G>A, p.Gly524Ser (NM_001278915.2); and 4 more; short protein forms G429S, G494S, G499S, G504S, G508S, G523S, G547S, G437S.
Identifiers: ClinVar variation 3630847 (VCV003630847.2).